The following is an entry in ClinVar:

ClinVar aggregate classification (germline): Likely pathogenic (1 of 4 stars; one submission).

Conditions:
Inflammatory skin and bowel disease, neonatal, 1. Identifiers: Orphanet 294023, MedGen C3280501, MONDO:0013693, OMIM 614328.

gnomAD v4.1: 1 of 1,597,454 alleles (0.000063%); highest among the groups gnomAD compares: Admixed American, 0.0017%; no homozygotes.

Submission:

Labcorp Genetics (formerly Invitae), Labcorp
Classification: Likely pathogenic for Inflammatory skin and bowel disease, neonatal, 1. Last evaluated: 2025-09-10. Review status: criteria provided, single submitter. Criteria: Invitae Variant Classification Sherloc (09022015). Collection method: clinical testing. Allele origin: germline.
Comment: This sequence change affects a donor splice site in intron 7 of the ADAM17 gene. It is expected to disrupt RNA splicing. Variants that disrupt the donor or acceptor splice site typically lead to a loss of protein function (PMID: 16199547), and loss-of-function variants in ADAM17 are known to be pathogenic (PMID: 22010916, 25804906). This variant is not present in population databases (gnomAD no frequency). This variant has not been reported in the literature in individuals affected with ADAM17-related conditions. Algorithms developed to predict the effect of sequence changes on RNA splicing suggest that this variant may disrupt the consensus splice site. In summary, the currently available evidence indicates that the variant is pathogenic, but additional data are needed to prove that conclusively. Therefore, this variant has been classified as Likely Pathogenic.

Literature cited by the submitters: PubMed 16199547; PubMed 22010916; PubMed 25804906.

NM_003183.6(ADAM17):c.843+1G>A

Gene: ADAM17 (ADAM metallopeptidase domain 17; minus strand). Cytogenetic location: 2p25.1.
Variant type: single nucleotide variant.
Coding change: c.843+1G>A on transcript NM_003183.6 (MANE Select); the canonical splice donor site of the intron after coding-DNA position 843, G replaced by A.
Molecular consequence: splice donor variant.
Genome position (GRCh38, 1-based): chr2:9,523,248, C>T on the plus strand (G>A on the coding strand, the complement: ADAM17 is on the minus strand). VCF-style: chr2-9523248-C-T. GRCh37 (hg19) VCF-style: chr2-9663377-C-T.
Other names: c.183+1G>A (NM_001382777.1); c.-60+1G>A (NM_001382778.1).
Identifiers: ClinVar variation 4720642 (VCV004720642.1).